The following is an entry in ClinVar:

ClinVar aggregate classification (germline): Uncertain significance (1 of 4 stars; one submission).

Conditions:
Tuberous sclerosis 2 (TSC2). Identifiers: Orphanet 805, MedGen C1860707, MONDO:0013199, OMIM 613254.

Submission:

Labcorp Genetics (formerly Invitae), Labcorp
Classification: Uncertain significance for Tuberous sclerosis 2. Last evaluated: 2024-11-02. Review status: criteria provided, single submitter. Criteria: Invitae Variant Classification Sherloc (09022015). Collection method: clinical testing. Allele origin: germline.
Comment: This sequence change falls in intron 6 of the TSC2 gene. It does not directly change the encoded amino acid sequence of the TSC2 protein. This variant is not present in population databases (gnomAD no frequency). This variant has not been reported in the literature in individuals affected with TSC2-related conditions. ClinVar contains an entry for this variant (Variation ID: 2789793). Algorithms developed to predict the effect of sequence changes on RNA splicing suggest that this variant may create or strengthen a splice site. In summary, the available evidence is currently insufficient to determine the role of this variant in disease. Therefore, it has been classified as a Variant of Uncertain Significance.

NM_000548.5(TSC2):c.599+13T>G

Gene: TSC2 (TSC complex subunit 2; plus strand). Cytogenetic location: 16p13.3.
Variant type: single nucleotide variant.
Coding change: c.599+13T>G on transcript NM_000548.5 (MANE Select); 13 bases into the intron after coding-DNA position 599, T replaced by G.
Molecular consequence: intron variant.
Genome position (GRCh38, 1-based): chr16:2,055,532, T>G. VCF-style: chr16-2055532-T-G. GRCh37 (hg19) VCF-style: chr16-2105533-T-G.
Other names: c.-1049+13T>G (NM_001406693.1); c.689+13T>G (NM_001406667.1, NM_001406668.1); c.-218+13T>G (NM_001406680.1, NM_001406683.1, NM_001406687.1); c.-833+13T>G (NM_001406689.1, NM_001406690.1, NM_001406692.1 and 2 more transcripts); c.-1009+13T>G (NM_001406698.1); c.599+13T>G (NM_001114382.3, NM_001406663.1, NM_001406664.1 and 8 more transcripts); c.-714+13T>G (NM_001406694.1, NM_001406695.1); c.-821+13T>G (NM_001406696.1); and 6 more.
Identifiers: ClinVar variation 2789793 (VCV002789793.3), dbSNP rs2151062385, ClinGen allele CA2739269901.
Genomic context (GRCh38, chr16:2,055,532, plus strand): 5'-CAAATTCAATAGCTGTTACCTCGACGAGTACATCGCAAGGATGGTTCAGTAAGAAAAGAA[T>G]TGAGATCCTGTTCTGATAATGGTCCTAAGTTCAGCTCCGCAGTGAATAAAGTTGAAACCA-3'